The following is an entry in ClinVar:

NM_004766.3(COPB2):c.4-14A>G

Gene: COPB2 (coat protein complex I subunit beta 2; minus strand). Cytogenetic location: 3q23.
Variant type: single nucleotide variant.
Coding change: c.4-14A>G on transcript NM_004766.3 (MANE Select); 14 bases into the intron before coding-DNA position 4, A replaced by G.
Molecular consequence: intron variant.
Genome position (GRCh38, 1-based): chr3:139,383,449, T>C on the plus strand (A>G on the coding strand, the complement: COPB2 is on the minus strand). VCF-style: chr3-139383449-T-C. GRCh37 (hg19) VCF-style: chr3-139102291-T-C.
Other names: c.-84-14A>G (NM_001410834.1).
Identifiers: ClinVar variation 5006560 (VCV005006560.2).

ClinVar aggregate classification (germline): Uncertain significance (1 of 4 stars; one submission).

Conditions:
Osteoporosis, childhood- or juvenile-onset, with developmental delay. Identifiers: MedGen C5676992, MONDO:0859253, OMIM 619884.
Microcephaly 19, primary, autosomal recessive. Identifiers: MedGen C4540488, MONDO:0054716, OMIM 617800.

Submission:

Juno Genomics, Hangzhou Juno Genomics, Inc
Classification: Uncertain significance for Microcephaly 19, primary, autosomal recessive; Osteoporosis, childhood- or juvenile-onset, with developmental delay. Review status: criteria provided, single submitter. Criteria: ACMG Guidelines, 2015. Collection method: clinical testing. Allele origin: germline.
Comment: Absent from controls (or at extremely low frequency if recessive) in Genome Aggregation Database.;Multiple lines of computational evidence support a deleterious effect on the gene or gene product.